The following is an entry in ClinVar:

ClinVar aggregate classification (germline): Uncertain significance. Review status: criteria provided, multiple submitters, no conflicts (2 of 4 stars). 3 submissions from 3 submitters: Uncertain significance (3). Last evaluated 2023-01-27.

Allele frequency attached by ClinVar (database versions not stated): gnomAD 0.00003; ExAC 0.00005; TOPMed 0.00005.
gnomAD v4.1: 77 of 1,563,672 alleles (0.0049%); highest among the groups gnomAD compares: Non-Finnish European, 0.0061%; no homozygotes.

Submissions (3):

Blueprint Genetics
Classification: Uncertain significance. Last evaluated: 2023-01-27. Review status: criteria provided, single submitter. Criteria: ACMG Guidelines, 2015. Collection method: clinical testing. Allele origin: germline.

Labcorp Genetics (formerly Invitae), Labcorp
Classification: Uncertain significance. Last evaluated: 2022-07-06. Review status: criteria provided, single submitter. Criteria: Invitae Variant Classification Sherloc (09022015). Collection method: clinical testing. Allele origin: germline.
Comment: This sequence change replaces arginine, which is basic and polar, with cysteine, which is neutral and slightly polar, at codon 238 of the COQ8A protein (p.Arg238Cys). The frequency data for this variant in the population databases is considered unreliable, as metrics indicate poor data quality at this position in the gnomAD database. This variant has not been reported in the literature in individuals affected with COQ8A-related conditions. Advanced modeling of protein sequence and biophysical properties (such as structural, functional, and spatial information, amino acid conservation, physicochemical variation, residue mobility, and thermodynamic stability) performed at Invitae indicates that this missense variant is expected to disrupt COQ8A protein function. In summary, the available evidence is currently insufficient to determine the role of this variant in disease. Therefore, it has been classified as a Variant of Uncertain Significance.

Athena Diagnostics
Classification: Uncertain significance. Last evaluated: 2021-09-27. Review status: criteria provided, single submitter. Criteria: Athena Diagnostics Criteria. Collection method: clinical testing. Allele origin: unknown.

NM_020247.5(COQ8A):c.712C>T (p.Arg238Cys)

Gene: COQ8A (coenzyme Q8A; plus strand). Cytogenetic location: 1q42.13.
Variant type: single nucleotide variant.
Coding change: c.712C>T on transcript NM_020247.5 (MANE Select); coding-DNA position 712, C replaced by T.
Protein change: p.Arg238Cys; replaces arginine 238 with cysteine.
Molecular consequence: missense variant.
Genome position (GRCh38, 1-based): chr1:226,977,505, C>T. VCF-style: chr1-226977505-C-T. GRCh37 (hg19) VCF-style: chr1-227165206-C-T.
Other names: short protein forms R238C.
Identifiers: ClinVar variation 1807076 (VCV001807076.4), dbSNP rs770452638, ClinGen allele CA1425106.